The following is an entry in ClinVar:

NM_000321.3(RB1):c.-52T>A

Gene: RB1 (RB transcriptional corepressor 1; plus strand). Cytogenetic location: 13q14.2.
Variant type: single nucleotide variant.
Coding change: c.-52T>A on transcript NM_000321.3 (MANE Select); 52 bases upstream of the start codon, T replaced by A.
Molecular consequence: 5 prime UTR variant.
Genome position (GRCh38, 1-based): chr13:48,303,861, T>A. VCF-style: chr13-48303861-T-A. GRCh37 (hg19) VCF-style: chr13-48877997-T-A.
Other names: c.-52T>A (NM_001407165.1, NM_001407166.1, NM_001407167.1).
Identifiers: ClinVar variation 4729907 (VCV004729907.1).

ClinVar aggregate classification (germline): Uncertain significance (1 of 4 stars; one submission).

Conditions:
Retinoblastoma (RB1). Also called: RETINOBLASTOMA, SOMATIC. Identifiers: Orphanet 790, MedGen C0035335, MeSH D012175, MONDO:0008380, OMIM 180200, HP:0009919. Disease mechanism: loss of function. Inheritance: Both sporadic and heritable forms are tested..

gnomAD v4.1: 2 of 1,499,752 alleles (0.00013%); highest among the groups gnomAD compares: South Asian, 0.0012%; no homozygotes.

Submission:

Labcorp Genetics (formerly Invitae), Labcorp
Classification: Uncertain significance for Retinoblastoma. Last evaluated: 2025-10-28. Review status: criteria provided, single submitter. Criteria: Invitae Variant Classification Sherloc (09022015). Collection method: clinical testing. Allele origin: germline.
Comment: This variant occurs in a non-coding region of the RB1 gene. It does not change the encoded amino acid sequence of the RB1 protein. This variant is not present in population databases (gnomAD no frequency). This variant has not been reported in the literature in individuals affected with RB1-related conditions. In summary, the available evidence is currently insufficient to determine the role of this variant in disease. Therefore, it has been classified as a Variant of Uncertain Significance.